The following is an entry in ClinVar:

ClinVar aggregate classification (germline): Uncertain significance (1 of 4 stars; one submission).

Conditions:
Majeed syndrome (MJDS). Also called: CHRONIC RECURRENT MULTIFOCAL OSTEOMYELITIS 1, WITH CONGENITAL DYSERYTHROPOIETIC ANEMIA, WITH OR WITHOUT NEUTROPHILIC DERMATOSIS; LPIN2-Related Majeed Syndrome. Identifiers: Orphanet 77297, MedGen C1864997, MONDO:0012316, OMIM 609628.

Submission:

Labcorp Genetics (formerly Invitae), Labcorp
Classification: Uncertain significance for Majeed syndrome. Last evaluated: 2024-10-16. Review status: criteria provided, single submitter. Criteria: Invitae Variant Classification Sherloc (09022015). Collection method: clinical testing. Allele origin: germline.
Comment: This sequence change replaces glycine, which is neutral and non-polar, with aspartic acid, which is acidic and polar, at codon 410 of the LPIN2 protein (p.Gly410Asp). This variant is not present in population databases (gnomAD no frequency). This variant has not been reported in the literature in individuals affected with LPIN2-related conditions. ClinVar contains an entry for this variant (Variation ID: 1022375). Invitae Evidence Modeling of protein sequence and biophysical properties (such as structural, functional, and spatial information, amino acid conservation, physicochemical variation, residue mobility, and thermodynamic stability) indicates that this missense variant is not expected to disrupt LPIN2 protein function with a negative predictive value of 80%. In summary, the available evidence is currently insufficient to determine the role of this variant in disease. Therefore, it has been classified as a Variant of Uncertain Significance.

NM_001375808.2(LPIN2):c.1229G>A (p.Gly410Asp)

Gene: LPIN2 (lipin 2; minus strand). Cytogenetic location: 18p11.31.
Variant type: single nucleotide variant.
Coding change: c.1229G>A on transcript NM_001375808.2 (MANE Select); coding-DNA position 1229, G replaced by A.
Protein change: p.Gly410Asp; replaces glycine 410 with aspartic acid.
Molecular consequence: missense variant.
Genome position (GRCh38, 1-based): chr18:2,934,390, C>T on the plus strand (G>A on the coding strand, the complement: LPIN2 is on the minus strand). VCF-style: chr18-2934390-C-T. GRCh37 (hg19) VCF-style: chr18-2934388-C-T.
Other names: c.1229G>A, p.Gly410Asp (NM_001375809.1, NM_014646.2); short protein forms G410D.
Identifiers: ClinVar variation 1022375 (VCV001022375.9), dbSNP rs2077255674, ClinGen allele CA401705326.